The following is an entry in ClinVar:

NM_001378743.1(CYLD):c.595T>C (p.Leu199=)

Gene: CYLD (CYLD lysine 63 deubiquitinase; plus strand). Cytogenetic location: 16q12.1.
Variant type: single nucleotide variant.
Coding change: c.595T>C on transcript NM_001378743.1 (MANE Select); coding-DNA position 595, T replaced by C.
Protein change: p.Leu199=; no amino-acid change (leucine 199 retained).
Molecular consequence: synonymous variant. On other transcripts: 5 prime UTR variant (2), non-coding transcript variant (1).
Genome position (GRCh38, 1-based): chr16:50,751,694, T>C. VCF-style: chr16-50751694-T-C. GRCh37 (hg19) VCF-style: chr16-50785605-T-C.
Other names: c.595T>C, p.Leu199= (NM_001042355.2, NM_001042412.3, NM_001378744.1 and 10 more transcripts); c.-72T>C (NM_001378754.1, NM_001378755.1).
Identifiers: ClinVar variation 3251142 (VCV003251142.18), dbSNP rs769069948.

ClinVar aggregate classification (germline): Likely benign (1 of 4 stars; one submission).

Allele frequency attached by ClinVar (database versions not stated): gnomAD exomes below 0.00001; ExAC 0.00001.
gnomAD v4.1: 3 of 1,613,746 alleles (0.00019%); highest among the groups gnomAD compares: South Asian, 0.0011%; no homozygotes.

Submission:

CeGaT Center for Human Genetics Tuebingen
Classification: Likely benign. Last evaluated: 2024-06-01. Review status: criteria provided, single submitter. Criteria: CeGaT Center For Human Genetics Tuebingen Variant Classification Criteria Version 2. Collection method: clinical testing. Allele origin: germline. Affected: yes. Observed: 1 variant allele.
Comment: CYLD: BP4, BP7